The following is an entry in ClinVar:

NM_030665.4(RAI1):c.5199G>A (p.Ser1733=)

Gene: RAI1 (retinoic acid induced 1; plus strand). Cytogenetic location: 17p11.2.
Variant type: single nucleotide variant.
Coding change: c.5199G>A on transcript NM_030665.4 (MANE Select); coding-DNA position 5199, G replaced by A.
Protein change: p.Ser1733=; no amino-acid change (serine 1733 retained).
Molecular consequence: synonymous variant.
Genome position (GRCh38, 1-based): chr17:17,798,147, G>A. VCF-style: chr17-17798147-G-A. GRCh37 (hg19) VCF-style: chr17-17701461-G-A.
Identifiers: ClinVar variation 1224722 (VCV001224722.40), dbSNP rs146112263, ClinGen allele CA8419108.

ClinVar aggregate classification (germline): Benign/Likely benign. Review status: criteria provided, multiple submitters, no conflicts (2 of 4 stars). 7 submissions from 7 submitters: Benign (3); Likely benign (3). 1 of the submissions does not count toward it. Last evaluated 2026-05-01.

Conditions:
RAI1-related disorder. Also called: RAI1-related condition.
Inborn genetic diseases. Identifiers: MedGen C0950123, MeSH D030342.

Allele frequency attached by ClinVar (database versions not stated): gnomAD 0.00024 and 0.00025; TOPMed 0.00033; ESP Exome Variant Server 0.00038.
gnomAD v4.1: 565 of 1,613,516 alleles (0.035%); highest among the groups gnomAD compares: Middle Eastern, 0.12%; 2 homozygotes.

Submissions (7):

CeGaT Center for Human Genetics Tuebingen
Classification: Likely benign. Last evaluated: 2026-05-01. Review status: criteria provided, single submitter. Criteria: CeGaT Center For Human Genetics Tuebingen Variant Classification Criteria Version 2. Collection method: clinical testing. Allele origin: germline. Affected: yes. Observed: 3 variant alleles.
Comment: RAI1: BP4, BP7

Labcorp Genetics (formerly Invitae), Labcorp
Classification: Benign. Last evaluated: 2026-02-01. Review status: criteria provided, single submitter. Criteria: Invitae Variant Classification Sherloc (09022015). Collection method: clinical testing. Allele origin: germline.

Blueprint Genetics
Classification: Likely benign. Last evaluated: 2024-11-08. Review status: criteria provided, single submitter. Criteria: ACMG Guidelines, 2015. Collection method: clinical testing. Allele origin: germline.

GeneDx
Classification: Benign. Last evaluated: 2019-05-06. Review status: criteria provided, single submitter. Criteria: GeneDx Variant Classification Process June 2021. Collection method: clinical testing. Allele origin: germline. Affected: yes.

Ambry Genetics
Classification: Likely benign for Inborn genetic diseases. Last evaluated: 2018-01-29. Review status: criteria provided, single submitter. Criteria: Ambry Variant Classification Scheme 2023. Collection method: clinical testing. Allele origin: germline.

Breakthrough Genomics
Classification: Benign. Review status: criteria provided, single submitter. Criteria: ACMG Guidelines, 2015. Collection method: not provided. Allele origin: germline. Inheritance: Autosomal dominant inheritance. Affected: yes.

PreventionGenetics, part of Exact Sciences
Classification: Benign for RAI1-related condition. Last evaluated: 2019-07-08. Review status: no assertion criteria provided. Collection method: clinical testing. Allele origin: germline. Not counted in ClinVar's aggregate classification.
Comment: This variant is classified as benign based on ACMG/AMP sequence variant interpretation guidelines (Richards et al. 2015 PMID: 25741868, with internal and published modifications).